The following is an entry in ClinVar:

NM_005866.4(SIGMAR1):c.554C>T (p.Ala185Val)

Gene: SIGMAR1 (sigma receptor chaperone 1; minus strand). Cytogenetic location: 9p13.3.
Variant type: single nucleotide variant.
Coding change: c.554C>T on transcript NM_005866.4 (MANE Select); coding-DNA position 554, C replaced by T.
Protein change: p.Ala185Val; replaces alanine 185 with valine.
Molecular consequence: missense variant. On other transcripts: 3 prime UTR variant (2), non-coding transcript variant (1), intron variant (1).
Genome position (GRCh38, 1-based): chr9:34,635,750, G>A on the plus strand (C>T on the coding strand, the complement: SIGMAR1 is on the minus strand). VCF-style: chr9-34635750-G-A. GRCh37 (hg19) VCF-style: chr9-34635747-G-A.
Other names: c.254C>T, p.Ala85Val (NM_001282206.2); c.494C>T, p.Ala165Val (NM_001282207.2); c.*97C>T (NM_001282208.2); c.*81C>T (NM_001282209.2); c.461C>T, p.Ala154Val (NM_147157.3); c.446-110C>T (NM_001282205.2); short protein forms A154V, A165V, A85V, A185V.
Identifiers: ClinVar variation 1375627 (VCV001375627.6), dbSNP rs372101503, ClinGen allele CA5035836.
Genomic context (GRCh38, chr9:34,635,750, plus strand): 5'-GAGCGAAGAGTATAGAAGAGGGTGAGGAAGTCCTGGGTGCTGAAGACAGTGTCGGCCAGC[G>A]CGAAGGCCAGGGTGGATGGGATGACGCCCCGGCCGTACTCCACCATCCATGTGTTTGGCC-3'
Protein context (NP_005857.1, residues 175-195): RGVIPSTLAF[Ala185Val]LADTVFSTQD

ClinVar aggregate classification (germline): Uncertain significance. Review status: criteria provided, multiple submitters, no conflicts (2 of 4 stars). 2 submissions from 2 submitters: Uncertain significance (2). Last evaluated 2025-10-06.

Conditions:
Inborn genetic diseases. Identifiers: MedGen C0950123, MeSH D030342.
Autosomal recessive distal spinal muscular atrophy 2. Also called: NEUROPATHY, DISTAL HEREDITARY MOTOR, AUTOSOMAL RECESSIVE 2; NEURONOPATHY, DISTAL HEREDITARY MOTOR, JERASH TYPE; NEUROPATHY, DISTAL HEREDITARY MOTOR, JERASH TYPE; SPINAL MUSCULAR ATROPHY, JERASH TYPE; Hereditary motor neuropathy, Jerash type; Motor neuropathy, distal, Jerash type. Identifiers: Orphanet 139552, MedGen C1854023, MONDO:0011585, OMIM 605726.
Amyotrophic lateral sclerosis type 16. Also called: AMYOTROPHIC LATERAL SCLEROSIS 16, JUVENILE. Identifiers: Orphanet 300605, MedGen C3280587, MONDO:0013715, OMIM 614373.

Allele frequency attached by ClinVar (database versions not stated): gnomAD 0.00003; gnomAD exomes 0.00002 and 0.00003; ExAC 0.00003; ESP Exome Variant Server 0.00008; TOPMed 0.00003.

Submissions (2):

Ambry Genetics
Classification: Uncertain significance for Inborn genetic diseases. Last evaluated: 2025-10-06. Review status: criteria provided, single submitter. Criteria: Ambry Variant Classification Scheme 2023. Collection method: clinical testing. Allele origin: germline.

Labcorp Genetics (formerly Invitae), Labcorp
Classification: Uncertain significance for Autosomal recessive distal spinal muscular atrophy 2; Amyotrophic lateral sclerosis type 16. Last evaluated: 2022-08-20. Review status: criteria provided, single submitter. Criteria: Invitae Variant Classification Sherloc (09022015). Collection method: clinical testing. Allele origin: germline.
Comment: This sequence change replaces alanine, which is neutral and non-polar, with valine, which is neutral and non-polar, at codon 185 of the SIGMAR1 protein (p.Ala185Val). This variant is present in population databases (rs372101503, gnomAD 0.008%). This variant has not been reported in the literature in individuals affected with SIGMAR1-related conditions. ClinVar contains an entry for this variant (Variation ID: 1375627). Algorithms developed to predict the effect of missense changes on protein structure and function are either unavailable or do not agree on the potential impact of this missense change (SIFT: "Deleterious"; PolyPhen-2: "Possibly Damaging"; Align-GVGD: "Class C0"). In summary, the available evidence is currently insufficient to determine the role of this variant in disease. Therefore, it has been classified as a Variant of Uncertain Significance.